The following is an entry in ClinVar:

NM_001854.4(COL11A1):c.4897G>A (p.Asp1633Asn)

Gene: COL11A1 (collagen type XI alpha 1 chain; minus strand). Cytogenetic location: 1p21.1.
Variant type: single nucleotide variant.
Coding change: c.4897G>A on transcript NM_001854.4 (MANE Select); coding-DNA position 4897, G replaced by A.
Protein change: p.Asp1633Asn; replaces aspartic acid 1633 with asparagine.
Molecular consequence: missense variant. On other transcripts: non-coding transcript variant (1).
Genome position (GRCh38, 1-based): chr1:102,883,273, C>T on the plus strand (G>A on the coding strand, the complement: COL11A1 is on the minus strand). VCF-style: chr1-102883273-C-T. GRCh37 (hg19) VCF-style: chr1-103348829-C-T.
Other names: c.4780G>A, p.Asp1594Asn (NM_001190709.2); c.4933G>A, p.Asp1645Asn (NM_080629.3); c.4549G>A, p.Asp1517Asn (NM_080630.4); c.4897G>A (NM_001854.3); short protein forms D1594N, D1517N, D1633N, D1645N.
Identifiers: ClinVar variation 1399533 (VCV001399533.8), dbSNP rs1303443553, ClinGen allele CA341211600.

ClinVar aggregate classification (germline): Uncertain significance. Review status: criteria provided, multiple submitters, no conflicts (2 of 4 stars). 3 submissions from 3 submitters: Uncertain significance (3). Last evaluated 2025-10-07.

Conditions:
Inborn genetic diseases. Identifiers: MedGen C0950123, MeSH D030342.

Allele frequency attached by ClinVar (database versions not stated): gnomAD exomes below 0.00001; gnomAD 0.00001; TOPMed 0.00002.
gnomAD v4.1: 4 of 1,613,434 alleles (0.00025%); highest among the groups gnomAD compares: Admixed American, 0.0017%; no homozygotes.

Submissions (3):

Ambry Genetics
Classification: Uncertain significance for Inborn genetic diseases. Last evaluated: 2025-10-07. Review status: criteria provided, single submitter. Criteria: Ambry Variant Classification Scheme 2023. Collection method: clinical testing. Allele origin: germline.

Labcorp Genetics (formerly Invitae), Labcorp
Classification: Uncertain significance. Last evaluated: 2025-03-31. Review status: criteria provided, single submitter. Criteria: Invitae Variant Classification Sherloc (09022015). Collection method: clinical testing. Allele origin: germline.
Comment: This sequence change replaces aspartic acid, which is acidic and polar, with asparagine, which is neutral and polar, at codon 1633 of the COL11A1 protein (p.Asp1633Asn). This variant is present in population databases (no rsID available, gnomAD 0.003%). This variant has not been reported in the literature in individuals affected with COL11A1-related conditions. ClinVar contains an entry for this variant (Variation ID: 1399533). Invitae Evidence Modeling of protein sequence and biophysical properties (such as structural, functional, and spatial information, amino acid conservation, physicochemical variation, residue mobility, and thermodynamic stability) indicates that this missense variant is expected to disrupt COL11A1 protein function with a positive predictive value of 80%. In summary, the available evidence is currently insufficient to determine the role of this variant in disease. Therefore, it has been classified as a Variant of Uncertain Significance.

Blueprint Genetics
Classification: Uncertain significance. Last evaluated: 2019-09-23. Review status: criteria provided, single submitter. Criteria: ACMG Guidelines, 2015. Collection method: clinical testing. Allele origin: germline.